The following is an entry in ClinVar:

ClinVar aggregate classification (germline): Uncertain significance. Review status: criteria provided, multiple submitters, no conflicts (2 of 4 stars). 2 submissions from 2 submitters: Uncertain significance (2). Last evaluated 2025-09-30.

Conditions:
Hereditary cancer-predisposing syndrome. Also called: Neoplastic Syndromes, Hereditary; Tumor predisposition; Hereditary neoplastic syndrome; Hereditary Cancer Syndrome. Identifiers: Orphanet 140162, MedGen C0027672, MeSH D009386, MONDO:0015356.
Neuroblastoma, susceptibility to, 3. Also called: ALK-Related Neuroblastic Tumor Susceptibility. Identifiers: Orphanet 635, MedGen C2751681, MONDO:0013083, OMIM 613014.

gnomAD v4.1: 1 of 1,614,186 alleles (0.000062%); highest among the groups gnomAD compares: Non-Finnish European, 0.000085%; no homozygotes.

Submissions (2):

Ambry Genetics
Classification: Uncertain significance for Hereditary cancer-predisposing syndrome. Last evaluated: 2025-09-30. Review status: criteria provided, single submitter. Criteria: Ambry Variant Classification Scheme 2023. Collection method: clinical testing. Allele origin: germline.
Comment: The p.A1015T variant (also known as c.3043G>A), located in coding exon 18 of the ALK gene, results from a G to A substitution at nucleotide position 3043. The alanine at codon 1015 is replaced by threonine, an amino acid with similar properties. This amino acid position is highly conserved in available vertebrate species. In addition, the in silico prediction for this alteration is inconclusive. Based on the available evidence, the clinical significance of this variant remains unclear.

Labcorp Genetics (formerly Invitae), Labcorp
Classification: Uncertain significance for Neuroblastoma, susceptibility to, 3. Last evaluated: 2023-08-31. Review status: criteria provided, single submitter. Criteria: Invitae Variant Classification Sherloc (09022015). Collection method: clinical testing. Allele origin: germline.
Comment: This variant has not been reported in the literature in individuals affected with ALK-related conditions. In summary, the available evidence is currently insufficient to determine the role of this variant in disease. Therefore, it has been classified as a Variant of Uncertain Significance. An algorithm developed to predict the effect of missense changes on protein structure and function (PolyPhen-2) suggests that this variant is likely to be disruptive. This variant is not present in population databases (gnomAD no frequency). This sequence change replaces alanine, which is neutral and non-polar, with threonine, which is neutral and polar, at codon 1015 of the ALK protein (p.Ala1015Thr).

NM_004304.5(ALK):c.3043G>A (p.Ala1015Thr)

Gene: ALK (ALK receptor tyrosine kinase; minus strand). Cytogenetic location: 2p23.2.
Variant type: single nucleotide variant.
Coding change: c.3043G>A on transcript NM_004304.5 (MANE Select); coding-DNA position 3043, G replaced by A.
Protein change: p.Ala1015Thr; replaces alanine 1015 with threonine.
Molecular consequence: missense variant.
Genome position (GRCh38, 1-based): chr2:29,226,946, C>T on the plus strand (G>A on the coding strand, the complement: ALK is on the minus strand). VCF-style: chr2-29226946-C-T. GRCh37 (hg19) VCF-style: chr2-29449812-C-T.
Other names: c.3043G>A (NM_004304.4); short protein forms A1015T.
Identifiers: ClinVar variation 2756852 (VCV002756852.4), dbSNP rs1263029598, ClinGen allele CA346467576.